The following is an entry in ClinVar:

NM_002609.4(PDGFRB):c.467T>G (p.Leu156Arg)

Gene: PDGFRB (platelet derived growth factor receptor beta; minus strand). Cytogenetic location: 5q32.
Variant type: single nucleotide variant.
Coding change: c.467T>G on transcript NM_002609.4 (MANE Select); coding-DNA position 467, T replaced by G.
Protein change: p.Leu156Arg; replaces leucine 156 with arginine.
Molecular consequence: missense variant. On other transcripts: 5 prime UTR variant (1).
Genome position (GRCh38, 1-based): chr5:150,134,914, A>C on the plus strand (T>G on the coding strand, the complement: PDGFRB is on the minus strand). VCF-style: chr5-150134914-A-C. GRCh37 (hg19) VCF-style: chr5-149514477-A-C.
Other names: c.275T>G, p.Leu92Arg (NM_001355016.2); c.-51T>G (NM_001355017.2); short protein forms L156R, L92R.
Identifiers: ClinVar variation 2412876 (VCV002412876.3), dbSNP rs2481242886, ClinGen allele CA361726071.

ClinVar aggregate classification (germline): Uncertain significance (1 of 4 stars; one submission).

Submission:

GeneDx
Classification: Uncertain significance. Last evaluated: 2022-07-28. Review status: criteria provided, single submitter. Criteria: GeneDx Variant Classification Process June 2021. Collection method: clinical testing. Allele origin: germline. Affected: yes.
Comment: Not observed at significant frequency in large population cohorts (gnomAD); In silico analysis supports that this missense variant has a deleterious effect on protein structure/function; Has not been previously published as pathogenic or benign to our knowledge